The following is an entry in ClinVar:

NM_016343.4(CENPF):c.5066A>G (p.Asp1689Gly)

Gene: CENPF (centromere protein F; plus strand). Cytogenetic location: 1q41.
Variant type: single nucleotide variant.
Coding change: c.5066A>G on transcript NM_016343.4 (MANE Select); coding-DNA position 5066, A replaced by G.
Protein change: p.Asp1689Gly; replaces aspartic acid 1689 with glycine.
Molecular consequence: missense variant.
Genome position (GRCh38, 1-based): chr1:214,644,636, A>G. VCF-style: chr1-214644636-A-G. GRCh37 (hg19) VCF-style: chr1-214817979-A-G.
Other names: short protein forms D1689G.
Identifiers: ClinVar variation 1300955 (VCV001300955.2), dbSNP rs533778154, ClinGen allele CA1390725.

ClinVar aggregate classification (germline): Uncertain significance (1 of 4 stars; one submission).

Allele frequency attached by ClinVar (database versions not stated): gnomAD 0.00001 and 0.00005; TOPMed 0.00001; gnomAD exomes 0.00010 and 0.00024; ExAC 0.00028; 1000 Genomes Project 30x 0.00078; 1000 Genomes Project 0.00080.

Submission:

GeneDx
Classification: Uncertain significance. Last evaluated: 2021-10-14. Review status: criteria provided, single submitter. Criteria: GeneDx Variant Classification Process June 2021. Collection method: clinical testing. Allele origin: germline. Affected: yes.
Comment: In silico analysis, which includes protein predictors and evolutionary conservation, supports a deleterious effect; Has not been previously published as pathogenic or benign to our knowledge